The following is an entry in ClinVar:

NM_173560.4(RFX6):c.2303A>G (p.Asn768Ser)

Gene: RFX6 (regulatory factor X6; plus strand). Cytogenetic location: 6q22.1.
Variant type: single nucleotide variant.
Coding change: c.2303A>G on transcript NM_173560.4 (MANE Select); coding-DNA position 2303, A replaced by G.
Protein change: p.Asn768Ser; replaces asparagine 768 with serine.
Molecular consequence: missense variant.
Genome position (GRCh38, 1-based): chr6:116,927,444, A>G. VCF-style: chr6-116927444-A-G. GRCh37 (hg19) VCF-style: chr6-117248607-A-G.
Other names: short protein forms N768S.
Identifiers: ClinVar variation 1896370 (VCV001896370.5), dbSNP rs1775770666, ClinGen allele CA365436457.

ClinVar aggregate classification (germline): Uncertain significance (1 of 4 stars; one submission).

Allele frequency attached by ClinVar (database versions not stated): gnomAD exomes below 0.00001.
gnomAD v4.1: 3 of 1,614,130 alleles (0.00019%); highest among the groups gnomAD compares: Admixed American, 0.0017%; no homozygotes.

Submission:

Labcorp Genetics (formerly Invitae), Labcorp
Classification: Uncertain significance. Last evaluated: 2021-12-13. Review status: criteria provided, single submitter. Criteria: Invitae Variant Classification Sherloc (09022015). Collection method: clinical testing. Allele origin: germline.
Comment: Algorithms developed to predict the effect of missense changes on protein structure and function output the following: SIFT: "Tolerated"; PolyPhen-2: "Benign"; Align-GVGD: "Class C0". The serine amino acid residue is found in multiple mammalian species, which suggests that this missense change does not adversely affect protein function. This sequence change replaces asparagine, which is neutral and polar, with serine, which is neutral and polar, at codon 768 of the RFX6 protein (p.Asn768Ser). This variant is not present in population databases (gnomAD no frequency). This variant has not been reported in the literature in individuals affected with RFX6-related conditions. Algorithms developed to predict the effect of sequence changes on RNA splicing suggest that this variant may create or strengthen a splice site. In summary, the available evidence is currently insufficient to determine the role of this variant in disease. Therefore, it has been classified as a Variant of Uncertain Significance.